The following is an entry in ClinVar:

NM_001853.4(COL9A3):c.1216-10C>T

Gene: COL9A3 (collagen type IX alpha 3 chain; plus strand). Cytogenetic location: 20q13.33.
Variant type: single nucleotide variant.
Coding change: c.1216-10C>T on transcript NM_001853.4 (MANE Select); 10 bases into the intron before coding-DNA position 1216, C replaced by T.
Molecular consequence: intron variant.
Genome position (GRCh38, 1-based): chr20:62,830,507, C>T. VCF-style: chr20-62830507-C-T. GRCh37 (hg19) VCF-style: chr20-61461859-C-T.
Other names: c.1216-10C>T (NM_001853.3).
Identifiers: ClinVar variation 1218596 (VCV001218596.10), dbSNP rs1160353045, ClinGen allele CA636336499.
Genomic context (GRCh38, chr20:62,830,507, plus strand): 5'-GGGCGGCACACCCAGACGGGCCAGACCCGACAGGGTATGGGCACTGACGAGCCAGGACCT[C>T]CTTCCCCAGGGCCAGAAGGGCAGCATGGGAGACCCCGGCCTTCCAGGCCCCCAGGGCCTC-3'

ClinVar aggregate classification (germline): Likely benign. Review status: criteria provided, multiple submitters, no conflicts (2 of 4 stars). 4 submissions from 4 submitters: Likely benign (4). Last evaluated 2025-12-09.

Conditions:
COL9A3-related disorder. Also called: COL9A3-related condition.

Allele frequency attached by ClinVar (database versions not stated): gnomAD exomes below 0.00001 and 0.00004; TOPMed below 0.00001.
gnomAD v4.1: 53 of 1,607,660 alleles (0.0033%); highest among the groups gnomAD compares: Non-Finnish European, 0.0043%; no homozygotes.

Submissions (4):

PreventionGenetics, part of Exact Sciences
Classification: Likely benign for COL9A3-related condition. Last evaluated: 2025-12-09. Review status: criteria provided, single submitter. Criteria: ACMG Guidelines, 2015. Collection method: clinical testing. Allele origin: germline.
Comment: This variant is classified as likely benign based on ACMG/AMP sequence variant interpretation guidelines (Richards et al. 2015 PMID: 25741868, with internal and published modifications).

Labcorp Genetics (formerly Invitae), Labcorp
Classification: Likely benign. Last evaluated: 2025-03-26. Review status: criteria provided, single submitter. Criteria: Invitae Variant Classification Sherloc (09022015). Collection method: clinical testing. Allele origin: germline.

GeneDx
Classification: Likely benign. Last evaluated: 2021-06-15. Review status: criteria provided, single submitter. Criteria: GeneDx Variant Classification Process June 2021. Collection method: clinical testing. Allele origin: germline. Affected: yes.

Blueprint Genetics
Classification: Likely benign. Last evaluated: 2020-01-15. Review status: criteria provided, single submitter. Criteria: ACMG Guidelines, 2015. Collection method: clinical testing. Allele origin: germline.